The following is an entry in ClinVar:

NM_004453.4(ETFDH):c.1468+15A>C

Gene: ETFDH (electron transfer flavoprotein dehydrogenase; plus strand). Cytogenetic location: 4q32.1.
Variant type: single nucleotide variant.
Coding change: c.1468+15A>C on transcript NM_004453.4 (MANE Select); 15 bases into the intron after coding-DNA position 1468, A replaced by C.
Molecular consequence: intron variant.
Genome position (GRCh38, 1-based): chr4:158,706,386, A>C. VCF-style: chr4-158706386-A-C. GRCh37 (hg19) VCF-style: chr4-159627538-A-C.
Other names: c.1327+15A>C (NM_001281737.2); c.1285+15A>C (NM_001281738.1).
Identifiers: ClinVar variation 203707 (VCV000203707.20), dbSNP rs146561214, ClinGen allele CA312514.
Genomic context (GRCh38, chr4:158,706,386, plus strand): 5'-TACTGGATATTGAGAGGAATGGAGCCGTGGACTCTGAAACATAAAGGTAATTCAAACAAG[A>C]GTATGAGTGACATGATCATTAAAAATTCATGAATGGGATCTGTTAATTAGAGAAAGTGAT-3'

ClinVar aggregate classification (germline): Benign/Likely benign. Review status: criteria provided, multiple submitters, no conflicts (2 of 4 stars). 5 submissions from 5 submitters: Benign (4); Likely benign (1). Last evaluated 2026-01-28.

Conditions:
Multiple acyl-CoA dehydrogenase deficiency (MADD). Also called: Glutaric acidemia type II; GA 2; Glutaric aciduria, type 2; ETHYLMALONIC-ADIPICACIDURIA; GA II; Glutaric Acidemia type 2. Identifiers: Orphanet 26791, MedGen C0268596, MONDO:0009282, OMIM 231680.

Allele frequency attached by ClinVar (database versions not stated): gnomAD exomes 0.00197 and 0.00074; ExAC 0.00208; gnomAD 0.00568 and 0.00590; ESP Exome Variant Server 0.00569; TOPMed 0.00605; 1000 Genomes Project 0.00799; 1000 Genomes Project 30x 0.00937.
gnomAD v4.1: 1,964 of 1,587,100 alleles (0.12%); highest among the groups gnomAD compares: African/African-American, 1.8%; 10 homozygotes.

Submissions (5):

Labcorp Genetics (formerly Invitae), Labcorp
Classification: Benign for Multiple acyl-CoA dehydrogenase deficiency. Last evaluated: 2026-01-28. Review status: criteria provided, single submitter. Criteria: Invitae Variant Classification Sherloc (09022015). Collection method: clinical testing. Allele origin: germline.

Blueprint Genetics
Classification: Likely benign. Last evaluated: 2024-11-26. Review status: criteria provided, single submitter. Criteria: ACMG Guidelines, 2015. Collection method: clinical testing. Allele origin: germline.

ARUP Laboratories, Molecular Genetics and Genomics, ARUP Laboratories
Classification: Benign for Multiple acyl-CoA dehydrogenase deficiency. Last evaluated: 2022-01-05. Review status: criteria provided, single submitter. Criteria: ARUP Molecular Germline Variant Investigation Process 2021. Collection method: clinical testing. Allele origin: germline.

Illumina Laboratory Services, Illumina
Classification: Benign for Multiple acyl-CoA dehydrogenase deficiency. Last evaluated: 2018-01-12. Review status: criteria provided, single submitter. Criteria: ICSL Variant Classification Criteria 13 December 2019. Collection method: clinical testing. Allele origin: germline.
Comment: This variant was observed in the ICSL laboratory as part of a predisposition screen in an ostensibly healthy population. It had not been previously curated by ICSL or reported in the Human Gene Mutation Database (HGMD: prior to June 1st, 2018), and was therefore a candidate for classification through an automated scoring system. Utilizing variant allele frequency, disease prevalence and penetrance estimates, and inheritance mode, an automated score was calculated to assess if this variant is too frequent to cause the disease. Based on the score and internal cut-off values, a variant classified as benign is not then subjected to further curation. The score for this variant resulted in a classification of benign for this disease.

GeneDx
Classification: Benign. Last evaluated: 2014-06-16. Review status: criteria provided, single submitter. Criteria: GeneDx Variant Classification (06012015). Collection method: clinical testing. Allele origin: germline. Affected: yes.
Comment: This variant is considered likely benign or benign based on one or more of the following criteria: it is a conservative change, it occurs at a poorly conserved position in the protein, it is predicted to be benign by multiple in silico algorithms, and/or has population frequency not consistent with disease.